The following is an entry in ClinVar:

ClinVar aggregate classification (germline): Uncertain significance. Review status: criteria provided, multiple submitters, no conflicts (2 of 4 stars). 3 submissions from 3 submitters: Uncertain significance (3). Last evaluated 2024-01-27.

Conditions:
Hereditary cancer-predisposing syndrome. Also called: Tumor predisposition; Hereditary neoplastic syndrome; Neoplastic Syndromes, Hereditary; Hereditary Cancer Syndrome. Identifiers: Orphanet 140162, MedGen C0027672, MeSH D009386, MONDO:0015356.
Familial adenomatous polyposis 1 (FAP1). Also called: FAMILIAL ADENOMATOUS POLYPOSIS 1, ATTENUATED; POLYPOSIS, ADENOMATOUS INTESTINAL. Identifiers: MedGen C2713442, MONDO:0021056, OMIM 175100. Disease mechanism: loss of function.

Submissions (3):

Ambry Genetics
Classification: Uncertain significance for Hereditary cancer-predisposing syndrome. Last evaluated: 2024-01-27. Review status: criteria provided, single submitter. Criteria: Ambry Variant Classification Scheme 2023. Collection method: clinical testing. Allele origin: germline.
Comment: The p.L822V variant (also known as c.2464C>G), located in coding exon 15 of the APC gene, results from a C to G substitution at nucleotide position 2464. The leucine at codon 822 is replaced by valine, an amino acid with highly similar properties. This amino acid position is conserved. In addition, in silico predictors for this gene do not accurately predict pathogenicity. Based on the available evidence, the clinical significance of this alteration remains unclear.

Baylor Genetics
Classification: Uncertain significance for Familial adenomatous polyposis 1. Last evaluated: 2023-08-25. Review status: criteria provided, single submitter. Criteria: ACMG Guidelines, 2015. Collection method: clinical testing. Allele origin: unknown.

Labcorp Genetics (formerly Invitae), Labcorp
Classification: Uncertain significance for Familial adenomatous polyposis 1. Last evaluated: 2022-12-23. Review status: criteria provided, single submitter. Criteria: Invitae Variant Classification Sherloc (09022015). Collection method: clinical testing. Allele origin: germline.
Comment: This variant is not present in population databases (gnomAD no frequency). This sequence change replaces leucine, which is neutral and non-polar, with valine, which is neutral and non-polar, at codon 822 of the APC protein (p.Leu822Val). This variant has not been reported in the literature in individuals affected with APC-related conditions. Advanced modeling of protein sequence and biophysical properties (such as structural, functional, and spatial information, amino acid conservation, physicochemical variation, residue mobility, and thermodynamic stability) performed at Invitae indicates that this missense variant is not expected to disrupt APC protein function. In summary, the available evidence is currently insufficient to determine the role of this variant in disease. Therefore, it has been classified as a Variant of Uncertain Significance.

NM_000038.6(APC):c.2464C>G (p.Leu822Val)

Gene: APC (APC regulator of Wnt signaling pathway; plus strand). Cytogenetic location: 5q22.2.
Variant type: single nucleotide variant.
Coding change: c.2464C>G on transcript NM_000038.6 (MANE Select); coding-DNA position 2464, C replaced by G.
Protein change: p.Leu822Val; replaces leucine 822 with valine.
Molecular consequence: missense variant.
Genome position (GRCh38, 1-based): chr5:112,838,058, C>G. VCF-style: chr5-112838058-C-G. GRCh37 (hg19) VCF-style: chr5-112173755-C-G.
Other names: c.2464C>G (NM_000038.5); c.2464C>G, p.Leu822Val (NM_001127510.3, NM_001354895.2, NM_001407450.1); c.2410C>G, p.Leu804Val (NM_001127511.3); c.2518C>G, p.Leu840Val (NM_001354896.2, NM_001407447.1, NM_001407448.1 and 1 more transcripts); c.2494C>G, p.Leu832Val (NM_001354897.2); c.2389C>G, p.Leu797Val (NM_001354898.2); c.2380C>G, p.Leu794Val (NM_001354899.2); c.2341C>G, p.Leu781Val (NM_001354900.2); and 12 more; short protein forms L696V, L731V, L794V, L797V, L812V, L850V, L438V, L721V.
Identifiers: ClinVar variation 2175448 (VCV002175448.6), dbSNP rs2149870159, ClinGen allele CA16026743.